The following is an entry in ClinVar:

ClinVar aggregate classification (germline): Uncertain significance (1 of 4 stars; one submission).

Conditions:
Peroxisome biogenesis disorder 9B. Also called: PEX7-Related Refsum Disease; PEROXISOME BIOGENESIS DISORDER, PEX7-RELATED, ATYPICAL; Refsum disease, adult, 2. Identifiers: Orphanet 773, MedGen C2749346, MONDO:0013945, OMIM 614879.

Allele frequency attached by ClinVar (database versions not stated): gnomAD exomes below 0.00001; TOPMed below 0.00001.
gnomAD v4.1: 2 of 1,469,784 alleles (0.00014%); highest among the groups gnomAD compares: Non-Finnish European, 0.00009%; no homozygotes.

Submission:

Labcorp Genetics (formerly Invitae), Labcorp
Classification: Uncertain significance for Peroxisome biogenesis disorder 9B. Last evaluated: 2022-07-25. Review status: criteria provided, single submitter. Criteria: Invitae Variant Classification Sherloc (09022015). Collection method: clinical testing. Allele origin: germline.
Comment: This sequence change replaces cysteine, which is neutral and slightly polar, with glycine, which is neutral and non-polar, at codon 34 of the PEX7 protein (p.Cys34Gly). This variant is not present in population databases (gnomAD no frequency). This variant has not been reported in the literature in individuals affected with PEX7-related conditions. ClinVar contains an entry for this variant (Variation ID: 1487762). Algorithms developed to predict the effect of missense changes on protein structure and function are either unavailable or do not agree on the potential impact of this missense change (SIFT: "Deleterious"; PolyPhen-2: "Possibly Damaging"; Align-GVGD: "Class C0"). In summary, the available evidence is currently insufficient to determine the role of this variant in disease. Therefore, it has been classified as a Variant of Uncertain Significance.

NM_000288.4(PEX7):c.100T>G (p.Cys34Gly)

Gene: PEX7 (peroxisomal biogenesis factor 7; plus strand). Cytogenetic location: 6q23.3.
Variant type: single nucleotide variant.
Coding change: c.100T>G on transcript NM_000288.4 (MANE Select); coding-DNA position 100, T replaced by G.
Protein change: p.Cys34Gly; replaces cysteine 34 with glycine.
Molecular consequence: missense variant.
Genome position (GRCh38, 1-based): chr6:136,822,765, T>G. VCF-style: chr6-136822765-T-G. GRCh37 (hg19) VCF-style: chr6-137143903-T-G.
Other names: short protein forms C34G.
Identifiers: ClinVar variation 1487762 (VCV001487762.3), dbSNP rs1774101933, ClinGen allele CA365855360.